The following is an entry in ClinVar:

ClinVar aggregate classification (germline): Uncertain significance (1 of 4 stars; one submission).

Conditions:
Spastic paraplegia. Identifiers: MedGen C0037772, HP:0001258.

Submission:

Labcorp Genetics (formerly Invitae), Labcorp
Classification: Uncertain significance for Spastic paraplegia. Last evaluated: 2024-12-10. Review status: criteria provided, single submitter. Criteria: Invitae Variant Classification Sherloc (09022015). Collection method: clinical testing. Allele origin: germline.
Comment: This sequence change replaces glutamic acid, which is acidic and polar, with glutamine, which is neutral and polar, at codon 76 of the KDM5C protein (p.Glu76Gln). This variant is not present in population databases (gnomAD no frequency). This variant has not been reported in the literature in individuals affected with KDM5C-related conditions. An algorithm developed to predict the effect of missense changes on protein structure and function (PolyPhen-2) suggests that this variant is likely to be tolerated. In summary, the available evidence is currently insufficient to determine the role of this variant in disease. Therefore, it has been classified as a Variant of Uncertain Significance.

NM_004187.5(KDM5C):c.226G>C (p.Glu76Gln)

Gene: KDM5C (lysine demethylase 5C; minus strand). Cytogenetic location: Xp11.22.
Variant type: single nucleotide variant.
Coding change: c.226G>C on transcript NM_004187.5 (MANE Select); coding-DNA position 226, G replaced by C.
Protein change: p.Glu76Gln; replaces glutamic acid 76 with glutamine.
Molecular consequence: missense variant. On other transcripts: non-coding transcript variant (3), intron variant (1).
Genome position (GRCh38, 1-based): chrX:53,220,841, C>G on the plus strand (G>C on the coding strand, the complement: KDM5C is on the minus strand). VCF-style: chrX-53220841-C-G. GRCh37 (hg19) VCF-style: chrX-53250023-C-G.
Other names: c.226G>C, p.Glu76Gln (NM_001282622.3, NM_001353978.3, NM_001353979.2 and 3 more transcripts); c.151-2875G>C (NM_001146702.2); short protein forms E76Q.
Identifiers: ClinVar variation 3727033 (VCV003727033.2).